The following is an entry in ClinVar:

ClinVar aggregate classification (germline): Uncertain significance (1 of 4 stars; one submission).

Submission:

GeneDx
Classification: Uncertain significance. Last evaluated: 2024-02-06. Review status: criteria provided, single submitter. Criteria: GeneDx Variant Classification Process June 2021. Collection method: clinical testing. Allele origin: germline. Affected: yes.
Comment: Not observed at significant frequency in large population cohorts (gnomAD); In silico analysis supports that this missense variant has a deleterious effect on protein structure/function; In silico analysis suggests this variant may impact gene splicing. In the absence of RNA/functional studies, the actual effect of this sequence change is unknown.; Has not been previously published as pathogenic or benign to our knowledge

NM_001791.4(CDC42):c.359G>T (p.Arg120Ile)

Gene: CDC42 (cell division cycle 42; plus strand). Cytogenetic location: 1p36.12.
Variant type: single nucleotide variant.
Coding change: c.359G>T on transcript NM_001791.4 (MANE Select); coding-DNA position 359, G replaced by T.
Protein change: p.Arg120Ile; replaces arginine 120 with isoleucine.
Molecular consequence: missense variant.
Genome position (GRCh38, 1-based): chr1:22,086,739, G>T. VCF-style: chr1-22086739-G-T. GRCh37 (hg19) VCF-style: chr1-22413232-G-T.
Other names: c.359G>T, p.Arg120Ile (NM_044472.3, NM_001039802.2); short protein forms R120I.
Identifiers: ClinVar variation 3368841 (VCV003368841.1).